The following is an entry in ClinVar:

NM_022124.6(CDH23):c.5166_5175del (p.Arg1723fs)

Gene: CDH23 (cadherin related 23; plus strand). Cytogenetic location: 10q22.1.
Variant type: Deletion.
Coding change: c.5166_5175del on transcript NM_022124.6 (MANE Select); coding-DNA positions 5166 to 5175, 10 bases deleted (CCGCCTCACC; older notation c.5166_5175delCCGCCTCACC).
Protein change: p.Arg1723fs; shifts the reading frame from arginine 1723.
Molecular consequence: frameshift variant.
Genome position (GRCh38, 1-based): chr10:71,778,287-71,778,296, CCGCCTCACC deleted. VCF-style (leftmost placement, unchanged base first): chr10-71778286-ACCGCCTCACC-A. GRCh37 (hg19) VCF-style: chr10-73538043-ACCGCCTCACC-A.
Other names: short protein forms R1723fs.
Identifiers: ClinVar variation 1455276 (VCV001455276.6), dbSNP rs2132927381, ClinGen allele CA2573145371.
Genomic context (GRCh38, chr10:71,778,286, plus strand): 5'-TCAGCCACGGCCGCTACACCCTGATCGTCACTGCCACAGACCAGTGCCCCATCTTATCCC[ACCGCCTCACC>A]TCTACCACCACGGTGGGTGCATGGGACACAGCCCCAACTTGGGCTTGGAGGTTGGCGAAG-3'

ClinVar aggregate classification (germline): Pathogenic (1 of 4 stars; one submission).

Submission:

Labcorp Genetics (formerly Invitae), Labcorp
Classification: Pathogenic. Last evaluated: 2024-03-11. Review status: criteria provided, single submitter. Criteria: Invitae Variant Classification Sherloc (09022015). Collection method: clinical testing. Allele origin: germline.
Comment: This sequence change creates a premature translational stop signal (p.Arg1723Leufs*7) in the CDH23 gene. It is expected to result in an absent or disrupted protein product. Loss-of-function variants in CDH23 are known to be pathogenic (PMID: 11138009, 21940737). This variant is not present in population databases (gnomAD no frequency). This variant has not been reported in the literature in individuals affected with CDH23-related conditions. ClinVar contains an entry for this variant (Variation ID: 1455276). For these reasons, this variant has been classified as Pathogenic.

Literature cited by the submitters: PubMed 11138009; PubMed 21940737.